The following is an entry in ClinVar:

NM_024854.5(PYROXD1):c.608A>G (p.Glu203Gly)

Gene: PYROXD1 (pyridine nucleotide-disulphide oxidoreductase domain 1; plus strand). Cytogenetic location: 12p12.1.
Variant type: single nucleotide variant.
Coding change: c.608A>G on transcript NM_024854.5 (MANE Select); coding-DNA position 608, A replaced by G.
Protein change: p.Glu203Gly; replaces glutamic acid 203 with glycine.
Molecular consequence: missense variant. On other transcripts: 5 prime UTR variant (1).
Genome position (GRCh38, 1-based): chr12:21,455,251, A>G. VCF-style: chr12-21455251-A-G. GRCh37 (hg19) VCF-style: chr12-21608185-A-G.
Other names: c.395A>G, p.Glu132Gly (NM_001350912.2); c.-170A>G (NM_001350913.2); short protein forms E132G, E203G.
Identifiers: ClinVar variation 1640295 (VCV001640295.18), dbSNP rs113567035, ClinGen allele CA6478262.

ClinVar aggregate classification (germline): Likely benign. Review status: criteria provided, multiple submitters, no conflicts (2 of 4 stars). 2 submissions from 2 submitters: Likely benign (2). Last evaluated 2026-01-28.

Allele frequency attached by ClinVar (database versions not stated): gnomAD exomes 0.00011 and 0.00029; ExAC 0.00033; 1000 Genomes Project 30x 0.00047; 1000 Genomes Project 0.00060; ESP Exome Variant Server 0.00092; gnomAD 0.00107 and 0.00112; TOPMed 0.00140.
gnomAD v4.1: 346 of 1,573,126 alleles (0.022%); highest among the groups gnomAD compares: African/African-American, 0.38%; 3 homozygotes.

Submissions (2):

Labcorp Genetics (formerly Invitae), Labcorp
Classification: Likely benign. Last evaluated: 2026-01-28. Review status: criteria provided, single submitter. Criteria: Invitae Variant Classification Sherloc (09022015). Collection method: clinical testing. Allele origin: germline.

CeGaT Center for Human Genetics Tuebingen
Classification: Likely benign. Last evaluated: 2025-05-01. Review status: criteria provided, single submitter. Criteria: CeGaT Center For Human Genetics Tuebingen Variant Classification Criteria Version 2. Collection method: clinical testing. Allele origin: germline. Affected: yes. Observed: 1 variant allele.
Comment: PYROXD1: BP4